The following is an entry in ClinVar:

ClinVar aggregate classification (germline): Uncertain significance. Review status: criteria provided, multiple submitters, no conflicts (2 of 4 stars). 3 submissions from 3 submitters: Uncertain significance (3). Last evaluated 2024-10-16.

Conditions:
VPS13B-related disorder. Also called: VPS13B-related condition.
Cohen syndrome (COH1). Also called: PEPPER SYNDROME; Cutis verticis gyrata, retinitis pigmentosa, and sensorineural deafness. Identifiers: Orphanet 193, MedGen C0265223, MONDO:0008999, OMIM 216550.

Allele frequency attached by ClinVar (database versions not stated): TOPMed below 0.00001; gnomAD exomes 0.00001.
gnomAD v4.1: 10 of 1,613,112 alleles (0.00062%); highest among the groups gnomAD compares: Non-Finnish European, 0.00085%; no homozygotes.

Submissions (3):

PreventionGenetics, part of Exact Sciences
Classification: Uncertain significance for VPS13B-related condition. Last evaluated: 2024-10-16. Review status: criteria provided, single submitter. Criteria: ACMG Guidelines, 2015. Collection method: clinical testing. Allele origin: germline.
Comment: The VPS13B c.3083-5C>G variant is predicted to interfere with splicing. This variant is predicted to alter splicing based on available splicing prediction programs (SpliceAI, Jaganathan et al. 2019. PubMed ID: 30661751). However, the use of computer prediction programs is not equivalent to functional evidence. To our knowledge, this variant has not been reported in the literature or in a large population database (gnomAD), indicating this variant is rare. At this time, the clinical significance of this variant is uncertain due to the absence of conclusive functional and genetic evidence.

Mayo Clinic Laboratories, Mayo Clinic
Classification: Uncertain significance. Last evaluated: 2024-03-13. Review status: criteria provided, single submitter. Criteria: ACMG Guidelines, 2015. Collection method: clinical testing. Allele origin: germline. Observed: 1 variant allele.
Comment: PP3, PM2

Labcorp Genetics (formerly Invitae), Labcorp
Classification: Uncertain significance for Cohen syndrome. Last evaluated: 2021-12-19. Review status: criteria provided, single submitter. Criteria: Invitae Variant Classification Sherloc (09022015). Collection method: clinical testing. Allele origin: germline.
Comment: This sequence change falls in intron 21 of the VPS13B gene. It does not directly change the encoded amino acid sequence of the VPS13B protein. This variant is not present in population databases (gnomAD no frequency). This variant has not been reported in the literature in individuals affected with VPS13B-related conditions. Algorithms developed to predict the effect of sequence changes on RNA splicing suggest that this variant may disrupt the consensus splice site. In summary, the available evidence is currently insufficient to determine the role of this variant in disease. Therefore, it has been classified as a Variant of Uncertain Significance.

NM_152564.5(VPS13B):c.3083-5C>G

Gene: VPS13B (vacuolar protein sorting 13 homolog B; plus strand). Cytogenetic location: 8q22.2.
Variant type: single nucleotide variant.
Coding change: c.3083-5C>G on transcript NM_152564.5 (MANE Select); 5 bases into the intron before coding-DNA position 3083, C replaced by G.
Molecular consequence: intron variant.
Genome position (GRCh38, 1-based): chr8:99,431,532, C>G. VCF-style: chr8-99431532-C-G. GRCh37 (hg19) VCF-style: chr8-100443760-C-G.
Other names: p.?; c.3083-5C>G (NM_152564.4, NM_017890.5, NM_017890.4).
Identifiers: ClinVar variation 1960250 (VCV001960250.4), dbSNP rs1427967091, ClinGen allele CA857552270.